The following is an entry in ClinVar:

ClinVar aggregate classification (germline): Pathogenic (1 of 4 stars; one submission).

Submission:

ISCA site 4
Classification: Pathogenic. Last evaluated: 2011-08-12. Review status: criteria provided, single submitter. Criteria: Kaminsky et al. (Genet Med. 2011). Collection method: clinical testing. Allele origin: unknown. Affected: yes. Observed: 1 variant allele.
Comment: Copy number variation identified through the course of routine clinical cytogenomic testing in postnatal populations. Clinical assertions have been curated as described in Kaminsky et al. 2011.

GRCh38/hg38 11q24.2-25(chr11:124155723-134998513)x1

Genes: OR8B12 (olfactory receptor family 8 subfamily B member 12; minus strand), OR8B2 (olfactory receptor family 8 subfamily B member 2; minus strand), OR8B3 (olfactory receptor family 8 subfamily B member 3; minus strand), OR8B4 (olfactory receptor family 8 subfamily B member 4; minus strand), OR8B8 (olfactory receptor family 8 subfamily B member 8; minus strand) and 355 more. Cytogenetic location: 11q24.2-25.
Variant type: copy number loss.
Change: copy number 1 (one copy instead of two) of chr11:124,155,723-134,998,513 (10.84 Mb, GRCh38 coordinates, 1-based), cytogenetic band 11q24.2-25.
Identifiers: ClinVar variation 57206 (VCV000057206.1).